The following is an entry in ClinVar:

NM_016035.5(COQ4):c.701A>G (p.Asn234Ser)

Gene: COQ4 (coenzyme Q4; plus strand). Cytogenetic location: 9q34.11.
Variant type: single nucleotide variant.
Coding change: c.701A>G on transcript NM_016035.5 (MANE Select); coding-DNA position 701, A replaced by G.
Protein change: p.Asn234Ser; replaces asparagine 234 with serine.
Molecular consequence: missense variant. On other transcripts: 3 prime UTR variant (1).
Genome position (GRCh38, 1-based): chr9:128,333,548, A>G. VCF-style: chr9-128333548-A-G. GRCh37 (hg19) VCF-style: chr9-131095827-A-G.
Other names: c.*77A>G (NM_001305942.2); c.701A>G (NM_016035.3); short protein forms N234S.
Identifiers: ClinVar variation 573763 (VCV000573763.7), dbSNP rs139974385, ClinGen allele CA5260675.

ClinVar aggregate classification (germline): Uncertain significance. Review status: criteria provided, multiple submitters, no conflicts (2 of 4 stars). 2 submissions from 2 submitters: Uncertain significance (2). Last evaluated 2025-11-20.

Conditions:
Inborn genetic diseases. Identifiers: MedGen C0950123, MeSH D030342.
Neonatal encephalomyopathy-cardiomyopathy-respiratory distress syndrome. Also called: Coenzyme Q10 deficiency, primary, 7. Identifiers: Orphanet 457185, MedGen C5568562, MONDO:0014562, OMIM 616276.

Allele frequency attached by ClinVar (database versions not stated): gnomAD 0.00002; ExAC 0.00003; gnomAD exomes 0.00004 and 0.00002; TOPMed 0.00005; ESP Exome Variant Server 0.00031.

Submissions (2):

Ambry Genetics
Classification: Uncertain significance for Inborn genetic diseases. Last evaluated: 2025-11-20. Review status: criteria provided, single submitter. Criteria: Ambry Variant Classification Scheme 2023. Collection method: clinical testing. Allele origin: germline.

Labcorp Genetics (formerly Invitae), Labcorp
Classification: Uncertain significance for Neonatal encephalomyopathy-cardiomyopathy-respiratory distress syndrome. Last evaluated: 2022-04-16. Review status: criteria provided, single submitter. Criteria: Invitae Variant Classification Sherloc (09022015). Collection method: clinical testing. Allele origin: germline.
Comment: This sequence change replaces asparagine, which is neutral and polar, with serine, which is neutral and polar, at codon 234 of the COQ4 protein (p.Asn234Ser). This variant is present in population databases (rs139974385, gnomAD 0.02%). This variant has not been reported in the literature in individuals affected with COQ4-related conditions. ClinVar contains an entry for this variant (Variation ID: 573763). Algorithms developed to predict the effect of missense changes on protein structure and function output the following: SIFT: "Tolerated"; PolyPhen-2: "Benign"; Align-GVGD: "Class C0". The serine amino acid residue is found in multiple mammalian species, which suggests that this missense change does not adversely affect protein function. Algorithms developed to predict the effect of sequence changes on RNA splicing suggest that this variant may create or strengthen a splice site. In summary, the available evidence is currently insufficient to determine the role of this variant in disease. Therefore, it has been classified as a Variant of Uncertain Significance.